The following is an entry in ClinVar:

ClinVar aggregate classification (germline): Uncertain significance. Review status: criteria provided, multiple submitters, no conflicts (2 of 4 stars). 2 submissions from 2 submitters: Uncertain significance (2). Last evaluated 2024-05-22.

Conditions:
Hypertrophic cardiomyopathy. Also called: HYPERTROPHIC MYOCARDIOPATHY. Identifiers: Orphanet 217569, MedGen C0007194, MeSH D002312, MONDO:0005045, HP:0001639.
Primary dilated cardiomyopathy (DCM). Also called: Dilated Cardiomyopathy. Identifiers: Orphanet 217604, MedGen C0007193, MeSH D002311, MONDO:0005021, HP:0001644. Inheritance: Various modes of inheritance.

Allele frequency attached by ClinVar (database versions not stated): gnomAD exomes below 0.00001 and 0.00002; TOPMed 0.00002; ExAC 0.00003; ESP Exome Variant Server 0.00008.
gnomAD v4.1: 6 of 1,611,414 alleles (0.00037%); highest among the groups gnomAD compares: Non-Finnish European, 0.00042%; no homozygotes.

Submissions (2):

Ambry Genetics
Classification: Uncertain significance. Last evaluated: 2024-05-22. Review status: criteria provided, single submitter. Criteria: Ambry Variant Classification Scheme 2023. Collection method: clinical testing. Allele origin: germline.
Comment: The p.S93C variant (also known as c.278C>G), located in coding exon 3 of the PDLIM3 gene, results from a C to G substitution at nucleotide position 278. The serine at codon 93 is replaced by cysteine, an amino acid with dissimilar properties. This amino acid position is conserved. In addition, this alteration is predicted to be tolerated by in silico analysis. Based on the available evidence, the clinical significance of this variant remains unclear.

Labcorp Genetics (formerly Invitae), Labcorp
Classification: Uncertain significance for Hypertrophic cardiomyopathy; Primary dilated cardiomyopathy. Last evaluated: 2022-10-17. Review status: criteria provided, single submitter. Criteria: Invitae Variant Classification Sherloc (09022015). Collection method: clinical testing. Allele origin: germline.
Comment: ClinVar contains an entry for this variant (Variation ID: 939092). This variant has not been reported in the literature in individuals affected with PDLIM3-related conditions. This variant is present in population databases (rs373657946, gnomAD 0.004%). This sequence change replaces serine, which is neutral and polar, with cysteine, which is neutral and slightly polar, at codon 93 of the PDLIM3 protein (p.Ser93Cys). In summary, the available evidence is currently insufficient to determine the role of this variant in disease. Therefore, it has been classified as a Variant of Uncertain Significance. Advanced modeling of protein sequence and biophysical properties (such as structural, functional, and spatial information, amino acid conservation, physicochemical variation, residue mobility, and thermodynamic stability) performed at Invitae indicates that this missense variant is not expected to disrupt PDLIM3 protein function.

NM_014476.6(PDLIM3):c.278C>G (p.Ser93Cys)

Gene: PDLIM3 (PDZ and LIM domain 3; minus strand). Cytogenetic location: 4q35.1.
Variant type: single nucleotide variant.
Coding change: c.278C>G on transcript NM_014476.6 (MANE Select); coding-DNA position 278, C replaced by G.
Protein change: p.Ser93Cys; replaces serine 93 with cysteine.
Molecular consequence: missense variant. On other transcripts: non-coding transcript variant (1), intron variant (1).
Genome position (GRCh38, 1-based): chr4:185,523,414, G>C on the plus strand (C>G on the coding strand, the complement: PDLIM3 is on the minus strand). VCF-style: chr4-185523414-G-C. GRCh37 (hg19) VCF-style: chr4-186444568-G-C.
Other names: c.278C>G, p.Ser93Cys (NM_001114107.5, NM_001257962.2); c.94-9077C>G (NM_001257963.2); c.278C>G (NM_014476.4); short protein forms S93C.
Identifiers: ClinVar variation 939092 (VCV000939092.11), dbSNP rs373657946, ClinGen allele CA3159854.